The following is an entry in ClinVar:

NM_001372078.1(REV3L):c.3084C>T (p.Pro1028=)

Gene: REV3L (REV3 like, DNA directed polymerase zeta catalytic subunit; minus strand). Cytogenetic location: 6q21.
Variant type: single nucleotide variant.
Coding change: c.3084C>T on transcript NM_001372078.1 (MANE Select); coding-DNA position 3084, C replaced by T.
Protein change: p.Pro1028=; no amino-acid change (proline 1028 retained).
Molecular consequence: synonymous variant.
Genome position (GRCh38, 1-based): chr6:111,375,271, G>A on the plus strand (C>T on the coding strand, the complement: REV3L is on the minus strand). VCF-style: chr6-111375271-G-A. GRCh37 (hg19) VCF-style: chr6-111696474-G-A.
Other names: c.2850C>T, p.Pro950= (NM_001286431.2, NM_001286432.2); c.3084C>T, p.Pro1028= (NM_002912.5).
Identifiers: ClinVar variation 744220 (VCV000744220.6), dbSNP rs34268149, ClinGen allele CA3962266.

ClinVar aggregate classification (germline): Likely benign. Review status: criteria provided, single submitter (1 of 4 stars). 2 submissions from 2 submitters: Likely benign (1). 1 of the submissions does not count toward it. Last evaluated 2019-12-31.

Conditions:
REV3L-related disorder. Also called: REV3L-related condition.

Allele frequency attached by ClinVar (database versions not stated): ExAC 0.00014; gnomAD exomes 0.00019 and 0.00042; gnomAD 0.00022 and 0.00024; ESP Exome Variant Server 0.00023; TOPMed 0.00023.
gnomAD v4.1: 656 of 1,607,230 alleles (0.041%); highest among the groups gnomAD compares: Non-Finnish European, 0.052%; no homozygotes.

Submissions (2):

Labcorp Genetics (formerly Invitae), Labcorp
Classification: Likely benign. Last evaluated: 2019-12-31. Review status: criteria provided, single submitter. Criteria: Invitae Variant Classification Sherloc (09022015). Collection method: clinical testing. Allele origin: germline.

PreventionGenetics, part of Exact Sciences
Classification: Likely benign for REV3L-related condition. Last evaluated: 2019-09-17. Review status: no assertion criteria provided. Collection method: clinical testing. Allele origin: germline. Not counted in ClinVar's aggregate classification.
Comment: This variant is classified as likely benign based on ACMG/AMP sequence variant interpretation guidelines (Richards et al. 2015 PMID: 25741868, with internal and published modifications).